The following is an entry in ClinVar:

ClinVar aggregate classification (germline): Uncertain significance (1 of 4 stars; one submission).

gnomAD v4.1: 3 of 1,552,072 alleles (0.00019%); highest among the groups gnomAD compares: Non-Finnish European, 0.00026%; no homozygotes.

Submission:

Labcorp Genetics (formerly Invitae), Labcorp
Classification: Uncertain significance. Last evaluated: 2022-09-14. Review status: criteria provided, single submitter. Criteria: Invitae Variant Classification Sherloc (09022015). Collection method: clinical testing. Allele origin: germline.
Comment: In summary, the available evidence is currently insufficient to determine the role of this variant in disease. Therefore, it has been classified as a Variant of Uncertain Significance. This sequence change replaces valine, which is neutral and non-polar, with leucine, which is neutral and non-polar, at codon 454 of the DTHD1 protein (p.Val454Leu). This variant is not present in population databases (gnomAD no frequency). This variant has not been reported in the literature in individuals affected with DTHD1-related conditions. Algorithms developed to predict the effect of missense changes on protein structure and function (SIFT, PolyPhen-2, Align-GVGD) all suggest that this variant is likely to be tolerated.

NM_001170700.3(DTHD1):c.2230G>C (p.Val744Leu)

Gene: DTHD1 (death domain containing 1; plus strand). Cytogenetic location: 4p14.
Variant type: single nucleotide variant.
Coding change: c.2230G>C on transcript NM_001170700.3 (MANE Select); coding-DNA position 2230, G replaced by C.
Protein change: p.Val744Leu; replaces valine 744 with leucine.
Molecular consequence: missense variant. On other transcripts: non-coding transcript variant (2).
Genome position (GRCh38, 1-based): chr4:36,316,376, G>C. VCF-style: chr4-36316376-G-C. GRCh37 (hg19) VCF-style: chr4-36317998-G-C.
Other names: c.1360G>C, p.Val454Leu (NM_001136536.5); c.1297G>C, p.Val433Leu (NM_001378435.1); short protein forms V433L, V454L, V744L.
Identifiers: ClinVar variation 2109600 (VCV002109600.4), dbSNP rs1482331685, ClinGen allele CA356681602.